The following is an entry in ClinVar:

ClinVar aggregate classification (germline): Uncertain significance (1 of 4 stars; one submission).

gnomAD v4.1: 1 of 1,613,810 alleles (0.000062%); highest among the groups gnomAD compares: Non-Finnish European, 0.000085%; no homozygotes.

Submission:

Ambry Genetics
Classification: Uncertain significance. Last evaluated: 2025-06-26. Review status: criteria provided, single submitter. Criteria: Ambry Variant Classification Scheme 2023. Collection method: clinical testing. Allele origin: germline.
Comment: The p.I450V variant (also known as c.1348A>G), located in coding exon 14 of the SRP72 gene, results from an A to G substitution at nucleotide position 1348. The isoleucine at codon 450 is replaced by valine, an amino acid with highly similar properties. This amino acid position is conserved. In addition, this alteration is predicted to be tolerated by in silico analysis. Based on the available evidence, the clinical significance of this variant remains unclear.

NM_006947.4(SRP72):c.1348A>G (p.Ile450Val)

Gene: SRP72 (signal recognition particle 72; plus strand). Cytogenetic location: 4q12.
Variant type: single nucleotide variant.
Coding change: c.1348A>G on transcript NM_006947.4 (MANE Select); coding-DNA position 1348, A replaced by G.
Protein change: p.Ile450Val; replaces isoleucine 450 with valine.
Molecular consequence: missense variant. On other transcripts: non-coding transcript variant (1).
Genome position (GRCh38, 1-based): chr4:56,490,360, A>G. VCF-style: chr4-56490360-A-G. GRCh37 (hg19) VCF-style: chr4-57356526-A-G.
Other names: c.1165A>G, p.Ile389Val (NM_001267722.2); short protein forms I389V, I450V.
Identifiers: ClinVar variation 4174911 (VCV004174911.1).
Genomic context (GRCh38, chr4:56,490,360, plus strand): 5'-GAAACTTTTTTTTTCTTTTTATTGAAACTGTAGCCAAAATCTCCTGCTCATTTGTCCTTG[A>G]TAAGAGAAGCTGCAAACTTCAAACTCAAATATGGGCGGAAGAAGGAGGCAATTAGTGACC-3'
Protein context (NP_008878.3, residues 440-460): QPKSPAHLSL[Ile450Val]REAANFKLKY